The following is an entry in ClinVar:

ClinVar aggregate classification (germline): Conflicting classifications of pathogenicity. Review status: criteria provided, conflicting classifications (1 of 4 stars). 5 submissions from 5 submitters: Uncertain significance (1); Benign (2); Likely benign (2). Last evaluated 2026-01-19.

Conditions:
Gonadotropin-independent familial sexual precocity. Also called: Familial male-limited precocious puberty; TESTOTOXICOSIS, FAMILIAL. Identifiers: Orphanet 3000, MedGen C0342549, MONDO:0008303, OMIM 176410.

Allele frequency attached by ClinVar (database versions not stated): 1000 Genomes Project 30x 0.00031; TOPMed 0.00261; gnomAD 0.00257 and 0.00251; ExAC 0.00222; gnomAD exomes 0.00379 and 0.00221; 1000 Genomes Project 0.00040; ESP Exome Variant Server 0.00308.
gnomAD v4.1: 5,908 of 1,612,274 alleles (0.37%); highest among the groups gnomAD compares: Non-Finnish European, 0.46%; 14 homozygotes.

Submissions (5):

Labcorp Genetics (formerly Invitae), Labcorp
Classification: Benign. Last evaluated: 2026-01-19. Review status: criteria provided, single submitter. Criteria: Invitae Variant Classification Sherloc (09022015). Collection method: clinical testing. Allele origin: germline.

CeGaT Center for Human Genetics Tuebingen
Classification: Likely benign. Last evaluated: 2025-11-01. Review status: criteria provided, single submitter. Criteria: CeGaT Center For Human Genetics Tuebingen Variant Classification Criteria Version 2. Collection method: clinical testing. Allele origin: germline. Affected: yes. Observed: 3 variant alleles.
Comment: LHCGR: BP4, BS2

GeneDx
Classification: Uncertain significance. Last evaluated: 2019-08-15. Review status: criteria provided, single submitter. Criteria: GeneDx Variant Classification Process June 2021. Collection method: clinical testing. Allele origin: germline. Affected: yes.
Comment: In-silico analysis, which includes splice predictors and evolutionary conservation, is inconclusive as to whether the variant alters gene splicing. In the absence of RNA/functional studies, the actual effect of this sequence change is unknown.; Identified in a patient with a disorder of sex development and classified as a variant of uncertain significance in published literature (Hughes et al., 2019); This variant is associated with the following publications: (PMID: 30668521)

Illumina Laboratory Services, Illumina
Classification: Benign for Gonadotropin-independent familial sexual precocity. Last evaluated: 2018-01-13. Review status: criteria provided, single submitter. Criteria: ICSL Variant Classification Criteria 13 December 2019. Collection method: clinical testing. Allele origin: germline.
Comment: This variant was observed in the ICSL laboratory as part of a predisposition screen in an ostensibly healthy population. It had not been previously curated by ICSL or reported in the Human Gene Mutation Database (HGMD: prior to June 1st, 2018), and was therefore a candidate for classification through an automated scoring system. Utilizing variant allele frequency, disease prevalence and penetrance estimates, and inheritance mode, an automated score was calculated to assess if this variant is too frequent to cause the disease. Based on the score and internal cut-off values, a variant classified as benign is not then subjected to further curation. The score for this variant resulted in a classification of benign for this disease.

Women's Health and Genetics/Laboratory Corporation of America, LabCorp
Classification: Likely benign for Familial Male-Limited Precocious Puberty. Last evaluated: 2011-08-18. Review status: criteria provided, single submitter. Criteria: LabCorp Variant Classification Summary - May 2015. Collection method: curation, clinical testing. Allele origin: germline. Inheritance: autosomal unknown. Affected: yes.
ClinVar note: Converted during submission from likely benign to Likely benign.

NM_000233.4(LHCGR):c.458+3A>G

Genes: LHCGR (luteinizing hormone/choriogonadotropin receptor; minus strand), STON1-GTF2A1L (STON1-GTF2A1L readthrough; plus strand). Cytogenetic location: 2p16.3.
Variant type: single nucleotide variant.
Coding change: c.458+3A>G on transcript NM_000233.4 (MANE Select); 3 bases into the intron after coding-DNA position 458, A replaced by G.
Molecular consequence: intron variant.
Genome position (GRCh38, 1-based): chr2:48,723,619, T>C on the plus strand (A>G on the coding strand, the complement: LHCGR is on the minus strand). VCF-style: chr2-48723619-T-C. GRCh37 (hg19) VCF-style: chr2-48950758-T-C.
Other names: c.3441+51939T>C (NM_001198593.2).
Identifiers: ClinVar variation 36469 (VCV000036469.33), dbSNP rs76210637, ClinGen allele CA214134.